The following is an entry in ClinVar:

ClinVar aggregate classification (germline): Conflicting classifications of pathogenicity. Review status: criteria provided, conflicting classifications (1 of 4 stars). 5 submissions from 5 submitters: Uncertain significance (1); Likely benign (2). 2 of the submissions do not count toward it. Last evaluated 2026-01-06.

Conditions:
COL4A3-related disorder. Also called: COL4A3-Related Disorders; COL4A3-related condition.
Alport syndrome. Also called: Hemorrhagic familial nephritis; Hemorrhagic hereditary nephritis; Congenital hereditary hematuria. Identifiers: Orphanet 63, MedGen C1567741, MONDO:0018965.

Allele frequency attached by ClinVar (database versions not stated): ExAC below 0.00001; gnomAD exomes 0.00009 and 0.00010; gnomAD 0.00013 and 0.00014; TOPMed 0.00017.
gnomAD v4.1: 145 of 1,553,766 alleles (0.0093%); highest among the groups gnomAD compares: Admixed American, 0.055%; no homozygotes.

Submissions (5):

Labcorp Genetics (formerly Invitae), Labcorp
Classification: Likely benign. Last evaluated: 2026-01-06. Review status: criteria provided, single submitter. Criteria: Invitae Variant Classification Sherloc (09022015). Collection method: clinical testing. Allele origin: germline.

Blueprint Genetics
Classification: Likely benign. Last evaluated: 2022-12-16. Review status: criteria provided, single submitter. Criteria: ACMG Guidelines, 2015. Collection method: clinical testing. Allele origin: germline.

Illumina Laboratory Services, Illumina
Classification: Uncertain significance for Alport syndrome. Last evaluated: 2017-04-27. Review status: criteria provided, single submitter. Criteria: ICSL Variant Classification Criteria 13 December 2019. Collection method: clinical testing. Allele origin: germline.

Natera, Inc.
Classification: Likely benign for Alport syndrome. Last evaluated: 2020-03-19. Review status: no assertion criteria provided. Collection method: clinical testing. Allele origin: germline. Not counted in ClinVar's aggregate classification.

PreventionGenetics, part of Exact Sciences
Classification: Likely benign for COL4A3-related condition. Last evaluated: 2019-02-22. Review status: no assertion criteria provided. Collection method: clinical testing. Allele origin: germline. Not counted in ClinVar's aggregate classification.
Comment: This variant is classified as likely benign based on ACMG/AMP sequence variant interpretation guidelines (Richards et al. 2015 PMID: 25741868, with internal and published modifications).

NM_000091.5(COL4A3):c.3751+7G>A

Genes: COL4A3 (collagen type IV alpha 3 chain; plus strand), MFF-DT (MFF divergent transcript; minus strand). Cytogenetic location: 2q36.3.
Variant type: single nucleotide variant.
Coding change: c.3751+7G>A on transcript NM_000091.5 (MANE Select); 7 bases into the intron after coding-DNA position 3751, G replaced by A.
Molecular consequence: intron variant.
Genome position (GRCh38, 1-based): chr2:227,297,866, G>A. VCF-style: chr2-227297866-G-A. GRCh37 (hg19) VCF-style: chr2-228162582-G-A.
Identifiers: ClinVar variation 753296 (VCV000753296.22), dbSNP rs750554079, ClinGen allele CA2147335.